The following is an entry in ClinVar:

NM_172107.4(KCNQ2):c.1868T>A (p.Leu623His)

Gene: KCNQ2 (potassium voltage-gated channel subfamily Q member 2; minus strand). Cytogenetic location: 20q13.33.
Variant type: single nucleotide variant.
Coding change: c.1868T>A on transcript NM_172107.4 (MANE Select); coding-DNA position 1868, T replaced by A.
Protein change: p.Leu623His; replaces leucine 623 with histidine.
Molecular consequence: missense variant.
Genome position (GRCh38, 1-based): chr20:63,408,432, A>T on the plus strand (T>A on the coding strand, the complement: KCNQ2 is on the minus strand). VCF-style: chr20-63408432-A-T. GRCh37 (hg19) VCF-style: chr20-62039785-A-T.
Other names: c.1922T>A, p.Leu641His (NM_001382235.1); c.1784T>A, p.Leu595His (NM_004518.6); c.1814T>A, p.Leu605His (NM_172106.3); c.1775T>A, p.Leu592His (NM_172108.5); short protein forms L592H, L595H, L605H, L623H, L641H.
Identifiers: ClinVar variation 4057219 (VCV004057219.1).

ClinVar aggregate classification (germline): Uncertain significance (1 of 4 stars; one submission).

Conditions:
Seizures, benign familial neonatal, 1. Also called: Benign Neonatal Epilepsy 1; KCNQ2-Related Benign Familial Neonatal Epilepsy; KCNQ2-Related Self-Limited Familial Neonatal Epilepsy (SLFNE); Seizures, benign neonatal, 1. Identifiers: Orphanet 1949, MedGen C3149074, MONDO:0007365, OMIM 121200.
Developmental and epileptic encephalopathy, 7 (DEE7). Also called: Early infantile epileptic encephalopathy 7; KCNQ2-Related Neonatal Epileptic Encephalopathy; KCNQ2-Related Neonatal-Onset Developmental and Epileptic Encephalopathy (NEO-DEE). Identifiers: Orphanet 439218, MedGen C3150986, MONDO:0013387, OMIM 613720.

Submission:

Institute of Human Genetics, University of Goettingen
Classification: Uncertain significance for Developmental and epileptic encephalopathy, 7; Seizures, benign familial neonatal, 1. Last evaluated: 2025-07-17. Review status: criteria provided, single submitter. Criteria: ACMG Guidelines, 2015. Collection method: clinical testing. Allele origin: germline.
Comment: The NM_172107.4(KCNQ2):​c.1868T>A​(p.Leu623His) variant causes a missense change involving the alteration of a conserved nucleotide. The variant was absent in control chromosomes in GnomAD project. In-silico tool predicts a pathogenic outcome for this variant. No clinical diagnostic laboratories have submitted clinical-significance assessments for this variant to ClinVar. Another variant affecting the same amino acid position, but resulting in a different missense (i.e. L623P) has been classified as Uncertain significance. ACMG Criteria: PM2_sup, PP3_mod, PP2